The following is an entry in ClinVar:

ClinVar aggregate classification (germline): Uncertain significance. Review status: criteria provided, multiple submitters, no conflicts (2 of 4 stars). 2 submissions from 2 submitters: Uncertain significance (2). Last evaluated 2025-12-25.

Submissions (2):

Labcorp Genetics (formerly Invitae), Labcorp
Classification: Uncertain significance. Last evaluated: 2025-12-25. Review status: criteria provided, single submitter. Criteria: Invitae Variant Classification Sherloc (09022015). Collection method: clinical testing. Allele origin: germline.
Comment: This sequence change replaces isoleucine, which is neutral and non-polar, with threonine, which is neutral and polar, at codon 68 of the GUF1 protein (p.Ile68Thr). This variant is present in population databases (no rsID available, gnomAD 0.002%). This variant has not been reported in the literature in individuals affected with GUF1-related conditions. ClinVar contains an entry for this variant (Variation ID: 4033186). Invitae Evidence Modeling of protein sequence and biophysical properties (such as structural, functional, and spatial information, amino acid conservation, physicochemical variation, residue mobility, and thermodynamic stability) indicates that this missense variant is not expected to disrupt GUF1 protein function with a negative predictive value of 80%. In summary, the available evidence is currently insufficient to determine the role of this variant in disease. Therefore, it has been classified as a Variant of Uncertain Significance.

Ambry Genetics
Classification: Uncertain significance. Last evaluated: 2025-04-25. Review status: criteria provided, single submitter. Criteria: Ambry Variant Classification Scheme 2023. Collection method: clinical testing. Allele origin: germline.

NM_021927.3(GUF1):c.203T>C (p.Ile68Thr)

Gene: GUF1 (GTP binding elongation factor GUF1; plus strand). Cytogenetic location: 4p12.
Variant type: single nucleotide variant.
Coding change: c.203T>C on transcript NM_021927.3 (MANE Select); coding-DNA position 203, T replaced by C.
Protein change: p.Ile68Thr; replaces isoleucine 68 with threonine.
Molecular consequence: missense variant. On other transcripts: 5 prime UTR variant (1), intron variant (1).
Genome position (GRCh38, 1-based): chr4:44,680,478, T>C. VCF-style: chr4-44680478-T-C. GRCh37 (hg19) VCF-style: chr4-44682495-T-C.
Other names: c.-766T>C (NM_001345867.2); c.203T>C, p.Ile68Thr (NM_001345868.2); c.-695-216T>C (NM_001345869.2); short protein forms I68T.
Identifiers: ClinVar variation 4033186 (VCV004033186.2).
Genomic context (GRCh38, chr4:44,680,478, plus strand): 5'-AATGTGGTATTTCCCCTTTCTAGGAAAAACTTGACATGTCTAGGTTTCCTGTTGAAAATA[T>C]TAGAAATTTCAGTATTGTTGCACACGTGGATCATGGCAAAAGTACTTTAGCTGACAGGCT-3'
Protein context (NP_068746.2, residues 58-78): LDMSRFPVEN[Ile68Thr]RNFSIVAHVD